The following is an entry in ClinVar:

ClinVar aggregate classification (germline): Uncertain significance (1 of 4 stars; one submission).

Conditions:
Hereditary cancer-predisposing syndrome. Also called: Neoplastic Syndromes, Hereditary; Tumor predisposition; Hereditary neoplastic syndrome; Hereditary Cancer Syndrome. Identifiers: Orphanet 140162, MedGen C0027672, MeSH D009386, MONDO:0015356.
Cardiovascular phenotype. Identifiers: MedGen CN230736.

Submission:

Ambry Genetics
Classification: Uncertain significance for Cardiovascular phenotype; Hereditary cancer-predisposing syndrome. Last evaluated: 2023-04-19. Review status: criteria provided, single submitter. Criteria: Ambry Variant Classification Scheme 2023. Collection method: clinical testing. Allele origin: germline.
Comment: The p.L470R variant (also known as c.1409T>G), located in coding exon 13 of the LZTR1 gene, results from a T to G substitution at nucleotide position 1409. The leucine at codon 470 is replaced by arginine, an amino acid with dissimilar properties. This amino acid position is conserved. In addition, this alteration is predicted to be deleterious by in silico analysis. Since supporting evidence is limited at this time, the clinical significance of this alteration remains unclear.

NM_006767.4(LZTR1):c.1409T>G (p.Leu470Arg)

Gene: LZTR1 (leucine zipper like post translational regulator 1; plus strand). Cytogenetic location: 22q11.21.
Variant type: single nucleotide variant.
Coding change: c.1409T>G on transcript NM_006767.4 (MANE Select); coding-DNA position 1409, T replaced by G.
Protein change: p.Leu470Arg; replaces leucine 470 with arginine.
Molecular consequence: missense variant.
Genome position (GRCh38, 1-based): chr22:20,993,979, T>G. VCF-style: chr22-20993979-T-G. GRCh37 (hg19) VCF-style: chr22-21348268-T-G.
Other names: short protein forms L470R.
Identifiers: ClinVar variation 3238075 (VCV003238075.1), dbSNP rs1186505944.